The following is an entry in ClinVar:

NM_001160372.4(TRAPPC9):c.1227C>T (p.Arg409=)

Gene: TRAPPC9 (trafficking protein particle complex subunit 9; minus strand). Cytogenetic location: 8q24.3.
Variant type: single nucleotide variant.
Coding change: c.1227C>T on transcript NM_001160372.4 (MANE Select); coding-DNA position 1227, C replaced by T.
Protein change: p.Arg409=; no amino-acid change (arginine 409 retained).
Molecular consequence: synonymous variant. On other transcripts: non-coding transcript variant (1).
Genome position (GRCh38, 1-based): chr8:140,371,088, G>A on the plus strand (C>T on the coding strand, the complement: TRAPPC9 is on the minus strand). VCF-style: chr8-140371088-G-A. GRCh37 (hg19) VCF-style: chr8-141381187-G-A.
Other names: c.1200C>T, p.Arg400= (NM_001321646.2); c.1248C>T, p.Arg416= (NM_001374682.1); c.1227C>T, p.Arg409= (NM_001374683.1, NM_001374684.1, NM_031466.8); c.1521C>T (NM_031466.7).
Identifiers: ClinVar variation 1965053 (VCV001965053.6), dbSNP rs761721667, ClinGen allele CA4893512.

ClinVar aggregate classification (germline): Likely benign. Review status: criteria provided, single submitter (1 of 4 stars). 2 submissions from 2 submitters: Likely benign (1). 1 of the submissions does not count toward it. Last evaluated 2022-09-27.

Conditions:
TRAPPC9-related disorder. Also called: TRAPPC9-related condition.

Allele frequency attached by ClinVar (database versions not stated): gnomAD exomes 0.00001; ExAC 0.00002; TOPMed 0.00002; gnomAD 0.00004.
gnomAD v4.1: 22 of 1,614,216 alleles (0.0014%); highest among the groups gnomAD compares: African/African-American, 0.004%; no homozygotes.

Submissions (2):

Labcorp Genetics (formerly Invitae), Labcorp
Classification: Likely benign. Last evaluated: 2022-09-27. Review status: criteria provided, single submitter. Criteria: Invitae Variant Classification Sherloc (09022015). Collection method: clinical testing. Allele origin: germline.

PreventionGenetics, part of Exact Sciences
Classification: Likely benign for TRAPPC9-related condition. Last evaluated: 2019-09-09. Review status: no assertion criteria provided. Collection method: clinical testing. Allele origin: germline. Not counted in ClinVar's aggregate classification.
Comment: This variant is classified as likely benign based on ACMG/AMP sequence variant interpretation guidelines (Richards et al. 2015 PMID: 25741868, with internal and published modifications).